The following is an entry in ClinVar:

ClinVar aggregate classification (germline): Pathogenic/Likely pathogenic. Review status: criteria provided, multiple submitters, no conflicts (2 of 4 stars). 11 submissions from 10 submitters: Pathogenic (8); Likely pathogenic (2). 1 of the submissions does not count toward it. Last evaluated 2025-03-31.

Conditions:
Usher syndrome. Also called: Usher's syndrome; Usher Syndromes. Identifiers: Orphanet 886, MedGen CN469326, MeSH D052245, MONDO:0019501. Disease mechanism: loss of function.
USH2A-related disorder. Also called: USH2A-related condition; USH2A-related disorders. Identifiers: MedGen CN239332.
Usher syndrome type 2A. Also called: RETINAL DISEASE IN USHER SYNDROME TYPE IIA, MODIFIER OF; USHER SYNDROME, TYPE IIA. Identifiers: Orphanet 231178, Orphanet 886, MedGen C1848634, MONDO:0010169, OMIM 276901.
Retinitis pigmentosa 39 (RP39). Identifiers: Orphanet 791, MedGen C3151138, MONDO:0013436, OMIM 613809.

Allele frequency attached by ClinVar (database versions not stated): TOPMed 0.00002.

Submissions (11):

Labcorp Genetics (formerly Invitae), Labcorp
Classification: Pathogenic. Last evaluated: 2025-03-31. Review status: criteria provided, single submitter. Criteria: Invitae Variant Classification Sherloc (09022015). Collection method: clinical testing. Allele origin: germline.
Comment: This sequence change creates a premature translational stop signal (p.Trp2644*) in the USH2A gene. It is expected to result in an absent or disrupted protein product. Loss-of-function variants in USH2A are known to be pathogenic (PMID: 10729113, 10909849, 20507924, 25649381). This variant is not present in population databases (gnomAD no frequency). This premature translational stop signal has been observed in individual(s) with Usher syndrome (PMID: 30459346). ClinVar contains an entry for this variant (Variation ID: 801613). For these reasons, this variant has been classified as Pathogenic.

GeneDx
Classification: Pathogenic. Last evaluated: 2024-07-19. Review status: criteria provided, single submitter. Criteria: GeneDx Variant Classification Process June 2021. Collection method: clinical testing. Allele origin: germline. Affected: yes.
Comment: Identified in a patient with an inherited retinal dystrophy and a second variant in the USH2A gene in published literature (PMID: 36909829); Identified in a patient with hearing loss and a second variant in the USH2A gene in published literature (PMID: 34599368); Nonsense variant predicted to result in protein truncation or nonsense mediated decay in a gene for which loss of function is a known mechanism of disease; Not observed at significant frequency in large population cohorts (gnomAD); This variant is associated with the following publications: (PMID: 36011334, 37217489, 36909829, 38189974, 30459346, 34599368)

Genome-Nilou Lab
Classification: Likely pathogenic for Retinitis pigmentosa 39. Last evaluated: 2023-11-04. Review status: criteria provided, single submitter. Criteria: ACMG Guidelines, 2015. Collection method: clinical testing. Allele origin: germline. Affected: no.

Genome-Nilou Lab
Classification: Likely pathogenic for Usher syndrome type 2A. Last evaluated: 2023-11-04. Review status: criteria provided, single submitter. Criteria: ACMG Guidelines, 2015. Collection method: clinical testing. Allele origin: germline. Affected: no.

Baylor Genetics
Classification: Pathogenic for Retinitis pigmentosa 39. Last evaluated: 2023-09-03. Review status: criteria provided, single submitter. Criteria: ACMG Guidelines, 2015. Collection method: clinical testing. Allele origin: unknown.

Ophthalmic Genetics Group, Institute of Molecular and Clinical Ophthalmology Basel
Classification: Pathogenic for Usher syndrome. Last evaluated: 2023-07-24. Review status: criteria provided, single submitter. Criteria: ACMG Guidelines, 2015. Collection method: research. Allele origin: germline. Affected: yes. Observed: 1 variant allele.
Comment: Clinical significance based on ACMG v2.0

This variant was classified as Pathogenic based on ACMG criteria: PVS1, PM2, PP5.

Fulgent Genetics
Classification: Pathogenic for Usher syndrome type 2A; Retinitis pigmentosa 39. Last evaluated: 2021-07-28. Review status: criteria provided, single submitter. Criteria: ACMG Guidelines, 2015. Collection method: clinical testing. Allele origin: unknown.

Blueprint Genetics
Classification: Pathogenic for USH2A-related disorders. Last evaluated: 2021-05-04. Review status: criteria provided, single submitter. Criteria: ACMG Guidelines, 2015. Collection method: clinical testing. Allele origin: germline. Affected: yes. Observed: 2 variant alleles.

Mendelics
Classification: Pathogenic for Usher syndrome type 2A. Last evaluated: 2019-05-28. Review status: criteria provided, single submitter. Criteria: Mendelics Assertion Criteria 2017. Collection method: clinical testing. Allele origin: unknown.

Laboratory of Molecular, Cellular and Translation Genetics in Otolaryngology/ Lim32-hcfmusp, University of Sao Paulo School of Medicine Clinics Hospital
Classification: Pathogenic for Usher syndrome type 2A. Review status: criteria provided, single submitter. Criteria: ClinGen HL ACMG Specifications v1. Collection method: research. Allele origin: germline. Inheritance: Autosomal recessive inheritance. Affected: yes. Observed: 1 variant allele, 1 compound heterozygote. Segregation with disease observed.

Natera, Inc.
Classification: Pathogenic for Usher syndrome type 2A. Last evaluated: 2020-12-02. Review status: no assertion criteria provided. Collection method: clinical testing. Allele origin: germline. Not counted in ClinVar's aggregate classification.

Literature cited by the submitters: PubMed 10729113 (cited by Labcorp Genetics (formerly Invitae), Labcorp); PubMed 10909849 (cited by Labcorp Genetics (formerly Invitae), Labcorp); PubMed 20507924 (cited by Labcorp Genetics (formerly Invitae), Labcorp); PubMed 25649381 (cited by Labcorp Genetics (formerly Invitae), Labcorp); PubMed 30459346 (cited by Labcorp Genetics (formerly Invitae), Labcorp); PubMed 36909829 (cited by Ophthalmic Genetics Group, Institute of Molecular and Clinical Ophthalmology Basel); PubMed 34599368 (cited by Laboratory of Molecular, Cellular and Translation Genetics in Otolaryngology/ Lim32-hcfmusp, University of Sao Paulo School of Medicine Clinics Hospital).

NM_206933.4(USH2A):c.7932G>A (p.Trp2644Ter)

Gene: USH2A (usherin; minus strand). Cytogenetic location: 1q41.
Variant type: single nucleotide variant.
Coding change: c.7932G>A on transcript NM_206933.4 (MANE Select); coding-DNA position 7932, G replaced by A.
Protein change: p.Trp2644Ter; replaces tryptophan 2644 with a stop codon.
Molecular consequence: nonsense.
Genome position (GRCh38, 1-based): chr1:215,888,717, C>T on the plus strand (G>A on the coding strand, the complement: USH2A is on the minus strand). VCF-style: chr1-215888717-C-T. GRCh37 (hg19) VCF-style: chr1-216062059-C-T.
Other names: NP_996816.3:p.(Trp2644Ter); short protein forms W2644*.
Identifiers: ClinVar variation 801613 (VCV000801613.22), dbSNP rs1571783742, ClinGen allele CA344839425.
Genomic context (GRCh38, chr1:215,888,717, plus strand): 5'-TTTGACTCTTCTCTCAATTGTGAAATTCTCCACCAAGCCATTGGGGTGGGTAGGGGGTTG[C>T]CAAGATATAATCACAGATGTTGGAGTATCAGAGAACAGCTCTGGACTTGGGATCCCTTCC-3'